The following is an entry in ClinVar:

ClinVar aggregate classification (germline): Pathogenic/Likely pathogenic. Review status: criteria provided, multiple submitters, no conflicts (2 of 4 stars). 2 submissions from 2 submitters: Pathogenic (1); Likely pathogenic (1). Last evaluated 2023-10-28.

Conditions:
Charcot-Marie-Tooth disease axonal type 2V. Also called: CHARCOT-MARIE-TOOTH NEUROPATHY, TYPE 2V; CHARCOT-MARIE-TOOTH DISEASE, AXONAL, AUTOSOMAL DOMINANT, TYPE 2V. Identifiers: Orphanet 447964, MedGen C5569050, MONDO:0014665, OMIM 616491.
Mucopolysaccharidosis, MPS-III-B (MPS3B). Also called: MUCOPOLYSACCHARIDOSIS, TYPE IIIB; Mucopolysaccharidosis type IIIB (Sanfilippo B); N-ACETYL-ALPHA-D-GLUCOSAMINIDASE DEFICIENCY; NAGLU DEFICIENCY; SANFILIPPO SYNDROME B; MPS III B. Identifiers: Orphanet 79270, MedGen C0086648, MONDO:0009656, OMIM 252920.

Submissions (2):

Labcorp Genetics (formerly Invitae), Labcorp
Classification: Pathogenic for Charcot-Marie-Tooth disease axonal type 2V; Mucopolysaccharidosis, MPS-III-B. Last evaluated: 2023-10-28. Review status: criteria provided, single submitter. Criteria: Invitae Variant Classification Sherloc (09022015). Collection method: clinical testing. Allele origin: germline.
Comment: This sequence change creates a premature translational stop signal (p.Gln226*) in the NAGLU gene. It is expected to result in an absent or disrupted protein product. Loss-of-function variants in NAGLU are known to be pathogenic (PMID: 9832037, 10094189, 16151907). This variant is not present in population databases (gnomAD no frequency). This variant has not been reported in the literature in individuals affected with NAGLU-related conditions. ClinVar contains an entry for this variant (Variation ID: 1724844). Algorithms developed to predict the effect of sequence changes on RNA splicing suggest that this variant may disrupt the consensus splice site. For these reasons, this variant has been classified as Pathogenic.

Myriad Genetics, Inc.
Classification: Likely pathogenic for Mucopolysaccharidosis, MPS-III-B. Last evaluated: 2021-11-23. Review status: criteria provided, single submitter. Criteria: Myriad Women's Health Autosomal Recessive and X-Linked Classification Criteria (2021). Collection method: clinical testing. Allele origin: unknown.
Comment: NM_000263.3(NAGLU):c.676C>T(Q226*) is expected to be pathogenic in the context of mucopolysaccharidosis type IIIB. This variant is predicted to lead to an abnormal or absent protein product due to the creation of a premature termination codon in NAGLU, a gene where loss-of-function variants are known to be pathogenic. Please note: this variant was assessed in the context of healthy population screening.

Literature cited by the submitters: PubMed 9832037 (cited by Labcorp Genetics (formerly Invitae), Labcorp); PubMed 10094189 (cited by Labcorp Genetics (formerly Invitae), Labcorp); PubMed 16151907 (cited by Labcorp Genetics (formerly Invitae), Labcorp).

NM_000263.4(NAGLU):c.676C>T (p.Gln226Ter)

Gene: NAGLU (N-acetyl-alpha-glucosaminidase; plus strand). Cytogenetic location: 17q21.2.
Variant type: single nucleotide variant.
Coding change: c.676C>T on transcript NM_000263.4 (MANE Select); coding-DNA position 676, C replaced by T.
Protein change: p.Gln226Ter; replaces glutamine 226 with a stop codon.
Molecular consequence: nonsense.
Genome position (GRCh38, 1-based): chr17:42,538,483, C>T. VCF-style: chr17-42538483-C-T. GRCh37 (hg19) VCF-style: chr17-40690501-C-T.
Other names: short protein forms Q226*.
Identifiers: ClinVar variation 1724844 (VCV001724844.5), dbSNP rs2510653397, ClinGen allele CA399598793.
Genomic context (GRCh38, chr17:42,538,483, plus strand): 5'-AACCTGCACACCTGGGATGGCCCCCTGCCCCCCTCCTGGCACATCAAGCAGCTTTACCTG[C>T]AGGTAAAAGGATGGAAAAGGGAAGGGGCAGAATCGGTGATAGATGGTCATGGGCCCAGGA-3'